The following is an entry in ClinVar:

NM_000051.4(ATM):c.7183G>A (p.Asp2395Asn)

Genes: ATM (ATM serine/threonine kinase; plus strand), C11orf65 (chromosome 11 open reading frame 65; minus strand). Cytogenetic location: 11q22.3.
Variant type: single nucleotide variant.
Coding change: c.7183G>A on transcript NM_000051.4 (MANE Select); coding-DNA position 7183, G replaced by A.
Protein change: p.Asp2395Asn; replaces aspartic acid 2395 with asparagine.
Molecular consequence: missense variant. On other transcripts: intron variant (2).
Genome position (GRCh38, 1-based): chr11:108,329,114, G>A. VCF-style: chr11-108329114-G-A. GRCh37 (hg19) VCF-style: chr11-108199841-G-A.
Other names: c.7183G>A, p.Asp2395Asn (NM_001351834.2); c.641-20043C>T (NM_001330368.2); c.*38+6106C>T (NM_001351110.2); short protein forms D2395N.
Identifiers: ClinVar variation 957513 (VCV000957513.11), dbSNP rs2085983049, ClinGen allele CA382559575.

ClinVar aggregate classification (germline): Uncertain significance. Review status: criteria provided, multiple submitters, no conflicts (2 of 4 stars). 2 submissions from 2 submitters: Uncertain significance (2). Last evaluated 2024-12-12.

Conditions:
Hereditary cancer-predisposing syndrome. Also called: Tumor predisposition; Neoplastic Syndromes, Hereditary; Hereditary neoplastic syndrome; Hereditary Cancer Syndrome. Identifiers: Orphanet 140162, MedGen C0027672, MeSH D009386, MONDO:0015356.
Ataxia-telangiectasia syndrome (AT). Also called: Ataxia-telangiectasia, complementation group D; AT, COMPLEMENTATION GROUP C; ATAXIA-TELANGIECTASIA, COMPLEMENTATION GROUP A; ATAXIA-TELANGIECTASIA, FRESNO VARIANT; Ataxia-telangiectasia; Ataxia telangiectasia (A-T). Identifiers: Orphanet 100, MedGen C0004135, MONDO:0008840, OMIM 208900.

Submissions (2):

Labcorp Genetics (formerly Invitae), Labcorp
Classification: Uncertain significance for Ataxia-telangiectasia syndrome. Last evaluated: 2024-12-12. Review status: criteria provided, single submitter. Criteria: Invitae Variant Classification Sherloc (09022015). Collection method: clinical testing. Allele origin: germline.
Comment: This sequence change replaces aspartic acid, which is acidic and polar, with asparagine, which is neutral and polar, at codon 2395 of the ATM protein (p.Asp2395Asn). This variant is not present in population databases (gnomAD no frequency). This variant has not been reported in the literature in individuals affected with ATM-related conditions. ClinVar contains an entry for this variant (Variation ID: 957513). Invitae Evidence Modeling of protein sequence and biophysical properties (such as structural, functional, and spatial information, amino acid conservation, physicochemical variation, residue mobility, and thermodynamic stability) has been performed for this missense variant. However, the output from this modeling did not meet the statistical confidence thresholds required to predict the impact of this variant on ATM protein function. In summary, the available evidence is currently insufficient to determine the role of this variant in disease. Therefore, it has been classified as a Variant of Uncertain Significance.

Ambry Genetics
Classification: Uncertain significance for Hereditary cancer-predisposing syndrome. Last evaluated: 2023-02-15. Review status: criteria provided, single submitter. Criteria: Ambry Variant Classification Scheme 2023. Collection method: clinical testing. Allele origin: germline.
Comment: The p.D2395N variant (also known as c.7183G>A), located in coding exon 48 of the ATM gene, results from a G to A substitution at nucleotide position 7183. The aspartic acid at codon 2395 is replaced by asparagine, an amino acid with highly similar properties. This amino acid position is conserved. In addition, the in silico prediction for this alteration is inconclusive. Since supporting evidence is limited at this time, the clinical significance of this alteration remains unclear.